The following is an entry in ClinVar:

ClinVar aggregate classification (germline): Pathogenic (1 of 4 stars; one submission).

Conditions:
Developmental and epileptic encephalopathy, 54. Also called: Epileptic encephalopathy, early infantile, 54; HNRNPU-Related Neurodevelopmental Disorder. Identifiers: MedGen C4479319, MONDO:0033363, OMIM 617391.

Submission:

Labcorp Genetics (formerly Invitae), Labcorp
Classification: Pathogenic for Developmental and epileptic encephalopathy, 54. Last evaluated: 2023-07-25. Review status: criteria provided, single submitter. Criteria: Invitae Variant Classification Sherloc (09022015). Collection method: clinical testing. Allele origin: germline.
Comment: For these reasons, this variant has been classified as Pathogenic. This variant has not been reported in the literature in individuals affected with HNRNPU-related conditions. This variant is not present in population databases (gnomAD no frequency). This sequence change creates a premature translational stop signal (p.Asn583Lysfs*23) in the HNRNPU gene. It is expected to result in an absent or disrupted protein product. Loss-of-function variants in HNRNPU are known to be pathogenic (PMID: 22678713, 28283832).

Literature cited by the submitters: PubMed 22678713; PubMed 28283832.

NM_031844.3(HNRNPU):c.1749del (p.Asn583fs)

Gene: HNRNPU (heterogeneous nuclear ribonucleoprotein U; minus strand). Cytogenetic location: 1q44.
Variant type: Deletion.
Coding change: c.1749del on transcript NM_031844.3 (MANE Select); coding-DNA position 1749, one base deleted (T; older notation c.1749delT).
Protein change: p.Asn583fs; shifts the reading frame from asparagine 583.
Molecular consequence: frameshift variant.
Genome position (GRCh38, 1-based): chr1:244,856,620, A deleted on the plus strand (T on the coding strand, the reverse complement: HNRNPU is on the minus strand). VCF-style (leftmost placement, unchanged base first): chr1-244856619-CA-C. GRCh37 (hg19) VCF-style: chr1-245019921-CA-C.
Other names: c.1692del, p.Asn564fs (NM_004501.3); short protein forms N564fs, N583fs.
Identifiers: ClinVar variation 2746326 (VCV002746326.3), dbSNP rs2527505764, ClinGen allele CA2697547779.